The following is an entry in ClinVar:

ClinVar aggregate classification (germline): Benign. Review status: criteria provided, multiple submitters, no conflicts (2 of 4 stars). 4 submissions from 4 submitters: Benign (4). Last evaluated 2024-11-26.

Submissions (4):

Blueprint Genetics
Classification: Benign. Last evaluated: 2024-11-26. Review status: criteria provided, single submitter. Criteria: ACMG Guidelines, 2015. Collection method: clinical testing. Allele origin: germline.

Mayo Clinic Laboratories, Mayo Clinic
Classification: Benign. Last evaluated: 2023-12-06. Review status: criteria provided, single submitter. Criteria: ACMG Guidelines, 2015. Collection method: clinical testing. Allele origin: germline. Observed: 32 variant alleles.
Comment: BA1, BS2, BP4, BP7

GeneDx
Classification: Benign. Last evaluated: 2019-09-10. Review status: criteria provided, single submitter. Criteria: GeneDx Variant Classification Process June 2021. Collection method: clinical testing. Allele origin: germline. Affected: yes.

Labcorp Genetics (formerly Invitae), Labcorp
Classification: Benign. Last evaluated: 2017-05-03. Review status: criteria provided, single submitter. Criteria: Invitae Variant Classification Sherloc (09022015). Collection method: clinical testing. Allele origin: germline.

NM_007214.5(SEC63):c.340-12_340-9del

Gene: SEC63 (SEC63 protein translocation regulator; minus strand). Cytogenetic location: 6q21.
Variant type: Deletion.
Coding change: c.340-12_340-9del on transcript NM_007214.5 (MANE Select); 12 bases into the intron before coding-DNA position 340 through 9 bases into the intron before coding-DNA position 340, 4 bases deleted (GTTT; older notation c.340-12_340-9delGTTT).
Molecular consequence: intron variant.
Genome position (GRCh38, 1-based): chr6:107,921,918-107,921,921, AAAC deleted on the plus strand (GTTT on the coding strand, the reverse complement: SEC63 is on the minus strand); deleting any 4 consecutive bases within chr6:107,921,918-107,921,924 gives the same sequence; the c. name uses the placement nearest the transcript's 3' end. VCF-style (leftmost placement, unchanged base first): chr6-107921917-AAAAC-A. GRCh37 (hg19) VCF-style: chr6-108243121-AAAAC-A.
Other names: p.?.
Identifiers: ClinVar variation 769317 (VCV000769317.7), dbSNP rs201981258, ClinGen allele CA3947744.